The following is an entry in ClinVar:

ClinVar aggregate classification (germline): Uncertain significance (1 of 4 stars; one submission).

Submission:

Labcorp Genetics (formerly Invitae), Labcorp
Classification: Uncertain significance. Last evaluated: 2024-05-23. Review status: criteria provided, single submitter. Criteria: Invitae Variant Classification Sherloc (09022015). Collection method: clinical testing. Allele origin: germline.
Comment: This sequence change affects an acceptor splice site in intron 54 of the FBN3 gene. It is expected to disrupt RNA splicing. Variants that disrupt the donor or acceptor splice site typically lead to a loss of protein function (PMID: 16199547), however the current clinical and genetic evidence is not sufficient to establish whether loss-of-function variants in FBN3 cause disease. This variant is present in population databases (rs777384088, gnomAD 0.006%). This variant has not been reported in the literature in individuals affected with FBN3-related conditions. Algorithms developed to predict the effect of sequence changes on RNA splicing suggest that this variant may disrupt the consensus splice site. In summary, the available evidence is currently insufficient to determine the role of this variant in disease. Therefore, it has been classified as a Variant of Uncertain Significance.

Literature cited by the submitters: PubMed 16199547.

NM_032447.5(FBN3):c.6755-1G>A

Gene: FBN3 (fibrillin 3; minus strand). Cytogenetic location: 19p13.2.
Variant type: single nucleotide variant.
Coding change: c.6755-1G>A on transcript NM_032447.5 (MANE Select); the canonical splice acceptor site of the intron before coding-DNA position 6755, G replaced by A.
Molecular consequence: splice acceptor variant.
Genome position (GRCh38, 1-based): chr19:8,086,326, C>T on the plus strand (G>A on the coding strand, the complement: FBN3 is on the minus strand). VCF-style: chr19-8086326-C-T. GRCh37 (hg19) VCF-style: chr19-8151210-C-T.
Other names: c.6755-1G>A (NM_001321431.2).
Identifiers: ClinVar variation 3685007 (VCV003685007.2).